The following is an entry in ClinVar:

ClinVar aggregate classification (germline): Likely pathogenic (1 of 4 stars; one submission).

Conditions:
Spastic paraplegia. Identifiers: MedGen C0037772, HP:0001258.

Submission:

Labcorp Genetics (formerly Invitae), Labcorp
Classification: Likely pathogenic for Spastic paraplegia. Last evaluated: 2021-06-02. Review status: criteria provided, single submitter. Criteria: Invitae Variant Classification Sherloc (09022015). Collection method: clinical testing. Allele origin: germline.
Comment: Algorithms developed to predict the effect of sequence changes on RNA splicing suggest that this variant may disrupt the consensus splice site, but this prediction has not been confirmed by published transcriptional studies. In summary, the currently available evidence indicates that the variant is pathogenic, but additional data are needed to prove that conclusively. Therefore, this variant has been classified as Likely Pathogenic. This variant has not been reported in the literature in individuals with ZFYVE26-related conditions. This variant is not present in population databases (ExAC no frequency). This sequence change affects a donor splice site in intron 24 of the ZFYVE26 gene. It is expected to disrupt RNA splicing. Variants that disrupt the donor or acceptor splice site typically lead to a loss of protein function (PMID: 16199547), and loss-of-function variants in ZFYVE26 are known to be pathogenic (PMID: 18394578, 19805727).

Literature cited by the submitters: PubMed 16199547; PubMed 18394578; PubMed 19805727.

NM_015346.4(ZFYVE26):c.4797+2T>G

Gene: ZFYVE26 (zinc finger FYVE-type containing 26; minus strand). Cytogenetic location: 14q24.1.
Variant type: single nucleotide variant.
Coding change: c.4797+2T>G on transcript NM_015346.4 (MANE Select); the canonical splice donor site of the intron after coding-DNA position 4797, T replaced by G.
Molecular consequence: splice donor variant.
Genome position (GRCh38, 1-based): chr14:67,778,124, A>C on the plus strand (T>G on the coding strand, the complement: ZFYVE26 is on the minus strand). VCF-style: chr14-67778124-A-C. GRCh37 (hg19) VCF-style: chr14-68244841-A-C.
Identifiers: ClinVar variation 1517316 (VCV001517316.8), dbSNP rs2140215645, ClinGen allele CA390168982.